The following is an entry in ClinVar:

ClinVar aggregate classification (germline): Likely benign (0 of 4 stars; one submission).

Conditions:
SLC27A5-related disorder. Also called: SLC27A5-related condition.

Allele frequency attached by ClinVar (database versions not stated): TOPMed 0.00005; ESP Exome Variant Server 0.00008; ExAC 0.00010; gnomAD 0.00011.

Submission:

PreventionGenetics, part of Exact Sciences
Classification: Likely benign for SLC27A5-related condition. Last evaluated: 2022-04-05. Review status: no assertion criteria provided. Collection method: clinical testing. Allele origin: germline.
Comment: This variant is classified as likely benign based on ACMG/AMP sequence variant interpretation guidelines (Richards et al. 2015 PMID: 25741868, with internal and published modifications).

NM_012254.3(SLC27A5):c.312C>T (p.Ile104=)

Gene: SLC27A5 (solute carrier family 27 member 5; minus strand). Cytogenetic location: 19q13.43.
Variant type: single nucleotide variant.
Coding change: c.312C>T on transcript NM_012254.3 (MANE Select); coding-DNA position 312, C replaced by T.
Protein change: p.Ile104=; no amino-acid change (isoleucine 104 retained).
Molecular consequence: synonymous variant.
Genome position (GRCh38, 1-based): chr19:58,511,644, G>A on the plus strand (C>T on the coding strand, the complement: SLC27A5 is on the minus strand). VCF-style: chr19-58511644-G-A. GRCh37 (hg19) VCF-style: chr19-59023011-G-A.
Other names: c.312C>T, p.Ile104= (NM_001321196.2).
Identifiers: ClinVar variation 3055199 (VCV003055199.2), dbSNP rs375113179, ClinGen allele CA9718310.